The following is an entry in ClinVar:

ClinVar aggregate classification (germline): Uncertain significance (1 of 4 stars; one submission).

gnomAD v4.1: 36 of 1,613,150 alleles (0.0022%); highest among the groups gnomAD compares: Non-Finnish European, 0.003%; no homozygotes.

Submission:

Dasa
Classification: Uncertain significance. Last evaluated: 2026-07-11. Review status: criteria provided, single submitter. Criteria: DASA Assertion Criteria. Collection method: clinical testing. Allele origin: germline.
Comment: NM_004958.4(MTOR):c.5486C>G (p.Thr1829Ser) is a missense variant that results in the substitution of threonine with serine. This variant is rare in population databases. Computational prediction algorithms are consistent with a benign effect. The currently available literature and clinical evidence are not sufficient to establish a definitive association between this variant and the reported condition. Therefore, this variant is classified as a variant of uncertain significance.

NM_004958.4(MTOR):c.5486C>G (p.Thr1829Ser)

Gene: MTOR (mechanistic target of rapamycin kinase; minus strand). Cytogenetic location: 1p36.22.
Variant type: single nucleotide variant.
Coding change: c.5486C>G on transcript NM_004958.4 (MANE Select); coding-DNA position 5486, C replaced by G.
Protein change: p.Thr1829Ser; replaces threonine 1829 with serine.
Molecular consequence: missense variant.
Genome position (GRCh38, 1-based): chr1:11,130,656, G>C on the plus strand (C>G on the coding strand, the complement: MTOR is on the minus strand). VCF-style: chr1-11130656-G-C. GRCh37 (hg19) VCF-style: chr1-11190713-G-C.
Other names: c.5486C>G, p.Thr1829Ser (NM_001386500.1); c.4238C>G, p.Thr1413Ser (NM_001386501.1); short protein forms T1413S, T1829S.
Identifiers: ClinVar variation 5020206 (VCV005020206.1).